The following is an entry in ClinVar:

NM_018292.5(QRSL1):c.600del (p.Ala201fs)

Gene: QRSL1 (glutaminyl-tRNA amidotransferase subunit QRSL1; plus strand). Cytogenetic location: 6q21.
Variant type: Deletion.
Coding change: c.600del on transcript NM_018292.5 (MANE Select); coding-DNA position 600, one base deleted (T; older notation c.600delT).
Protein change: p.Ala201fs; shifts the reading frame from alanine 201.
Molecular consequence: frameshift variant.
Genome position (GRCh38, 1-based): chr6:106,652,251, T deleted. VCF-style (leftmost placement, unchanged base first): chr6-106652250-CT-C. GRCh37 (hg19) VCF-style: chr6-107100125-CT-C.
Other names: short protein forms A201fs.
Identifiers: ClinVar variation 3067593 (VCV003067593.21), dbSNP rs754881125, ClinGen allele CA3944813.

ClinVar aggregate classification (germline): Likely pathogenic (1 of 4 stars; one submission).

Allele frequency attached by ClinVar (database versions not stated): gnomAD exomes 0.00001; TOPMed 0.00001; gnomAD 0.00002; ExAC 0.00004; ESP Exome Variant Server 0.00008.

Submission:

CeGaT Center for Human Genetics Tuebingen
Classification: Likely pathogenic. Last evaluated: 2024-03-01. Review status: criteria provided, single submitter. Criteria: CeGaT Center For Human Genetics Tuebingen Variant Classification Criteria Version 2. Collection method: clinical testing. Allele origin: germline. Affected: yes. Observed: 2 variant alleles.
Comment: QRSL1: PM2, PP4:Moderate, PVS1:Moderate